The following is an entry in ClinVar:

ClinVar aggregate classification (germline): Uncertain significance (1 of 4 stars; one submission).

Allele frequency attached by ClinVar (database versions not stated): gnomAD exomes 0.00001; TOPMed 0.00001.
gnomAD v4.1: 4 of 1,613,984 alleles (0.00025%); highest among the groups gnomAD compares: Admixed American, 0.0067%; no homozygotes.

Submission:

Labcorp Genetics (formerly Invitae), Labcorp
Classification: Uncertain significance. Last evaluated: 2022-04-19. Review status: criteria provided, single submitter. Criteria: Invitae Variant Classification Sherloc (09022015). Collection method: clinical testing. Allele origin: germline.
Comment: This sequence change replaces arginine, which is basic and polar, with glycine, which is neutral and non-polar, at codon 187 of the SCO2 protein (p.Arg187Gly). This variant is present in population databases (no rsID available, gnomAD 0.003%). This variant has not been reported in the literature in individuals affected with SCO2-related conditions. Algorithms developed to predict the effect of missense changes on protein structure and function are either unavailable or do not agree on the potential impact of this missense change (SIFT: "Tolerated"; PolyPhen-2: "Probably Damaging"; Align-GVGD: "Class C0"). In summary, the available evidence is currently insufficient to determine the role of this variant in disease. Therefore, it has been classified as a Variant of Uncertain Significance.

NM_005138.3(SCO2):c.559A>G (p.Arg187Gly)

Genes: NCAPH2 (non-SMC condensin II complex subunit H2; plus strand), SCO2 (synthesis of cytochrome C oxidase 2; minus strand). Cytogenetic location: 22q13.33.
Variant type: single nucleotide variant.
Coding change: c.559A>G on transcript NM_005138.3 (MANE Select); coding-DNA position 559, A replaced by G.
Protein change: p.Arg187Gly; replaces arginine 187 with glycine.
Molecular consequence: missense variant. On other transcripts: 3 prime UTR variant (2).
Genome position (GRCh38, 1-based): chr22:50,523,853, T>C on the plus strand (A>G on the coding strand, the complement: SCO2 is on the minus strand). VCF-style: chr22-50523853-T-C. GRCh37 (hg19) VCF-style: chr22-50962282-T-C.
Other names: c.*478T>C (NM_001185011.2, NM_152299.4); c.559A>G, p.Arg187Gly (NM_001169109.2, NM_001169110.1, NM_001169111.2); short protein forms R187G.
Identifiers: ClinVar variation 1977834 (VCV001977834.2), dbSNP rs905739470, ClinGen allele CA325555361.